The following continues an entry in ClinVar:

NM_007194.4(CHEK2):c.1556G>T (p.Arg519Leu)

Gene: CHEK2. ClinVar aggregate classification (germline): Conflicting classifications of pathogenicity. Uncertain significance (21); Likely benign (6).

Submissions 29 to 33 of 33:

Clinical Genetics Laboratory, Department of Pathology, Netherlands Cancer Institute
Classification: Uncertain significance. Review status: no assertion criteria provided. Collection method: clinical testing. Allele origin: germline. Affected: yes. Study: VKGL Data-share Consensus. Not counted in ClinVar's aggregate classification.

Department of Pathology and Laboratory Medicine, Sinai Health System
Classification: Uncertain significance for Malignant tumor of breast. Review status: no assertion criteria provided. Collection method: clinical testing. Allele origin: unknown. Affected: yes. Study: The Canadian Open Genetics Repository (COGR). Not counted in ClinVar's aggregate classification.
Comment: The CHEK2 p.Arg519Leu variant was not identified in the literature however alternate substitutions at the same amino acid position (R519Q/R519G) were identified in epithelial ovarian cancers and these amino acid substitutions were localized to the nuclear localization signal region; it is suggested that mutations in this region could adversely affect the nuclear import of CHEK2, reduce the protein level of effective and functional CHEK2, and impact CHEK2 associated repair pathways (Ow 2014). The variant was also identified in dbSNP (ID: rs587780180) â€šÃ„ÃºWith Uncertain significanceâ€šÃ„Ã¹ allele, and ClinVar (classified as uncertain significance by GeneDx, Ambry Genetics, Invitae, Counsyl, and Color Genomics Inc). The variant was not identified in Cosmic, MutDB, Zhejiang Colon Cancer Database, the 1000 Genomes Project, the NHLBI GO Exome Sequencing Project or the Exome Aggregation Consortium (August 8th 2016) control databases. Although the p.Arg519 residue is not conserved in mammals and other organisms, computational analyses (PolyPhen-2, SIFT, AlignGVGD, BLOSUM, MutationTaster) suggest that the Leu variant may impact the protein. The variant occurs outside of the splicing consensus sequence and in silico or computational prediction software programs (SpliceSiteFinder, MaxEntScan, NNSPLICE, GeneSplicer, HumanSpliceFinder) do not predict a difference in splicing. In summary, based on the above information the clinical significance of this variant cannot be determined with certainty at this time. This variant is classified as a variant of uncertain significance.

Diagnostic Laboratory, Department of Genetics, University Medical Center Groningen
Classification: Uncertain significance. Review status: no assertion criteria provided. Collection method: clinical testing. Allele origin: germline. Affected: yes. Study: VKGL Data-share Consensus. Not counted in ClinVar's aggregate classification.

Joint Genome Diagnostic Labs from Nijmegen and Maastricht, Radboudumc and MUMC+
Classification: Uncertain significance. Review status: no assertion criteria provided. Collection method: clinical testing. Allele origin: germline. Affected: yes. Study: VKGL Data-share Consensus. Not counted in ClinVar's aggregate classification.

Laboratory of Diagnostic Genome Analysis, Leiden University Medical Center (LUMC)
Classification: Uncertain significance. Review status: no assertion criteria provided. Collection method: clinical testing. Allele origin: germline. Affected: yes. Study: VKGL Data-share Consensus. Not counted in ClinVar's aggregate classification.

Literature cited by the submitters: PubMed 21244692 (cited by 4 submitters); PubMed 26787654 (cited by 4 submitters); PubMed 30851065 (cited by 6 submitters); PubMed 31206626 (cited by Women's Health and Genetics/Laboratory Corporation of America, LabCorp); PubMed 29470806 (cited by 5 submitters); PubMed 32658311 (cited by 5 submitters); PubMed 32906215 (cited by Women's Health and Genetics/Laboratory Corporation of America, LabCorp and Quest Diagnostics Nichols Institute San Juan Capistrano); PubMed 32659967 (cited by Women's Health and Genetics/Laboratory Corporation of America, LabCorp); PubMed 35402282 (cited by 3 submitters); PubMed 35980532 (cited by Women's Health and Genetics/Laboratory Corporation of America, LabCorp); PubMed 34250417 (cited by Women's Health and Genetics/Laboratory Corporation of America, LabCorp); PubMed 35534704 (cited by Women's Health and Genetics/Laboratory Corporation of America, LabCorp); PubMed 36717774 (cited by Women's Health and Genetics/Laboratory Corporation of America, LabCorp); PubMed 37306523 (cited by Women's Health and Genetics/Laboratory Corporation of America, LabCorp); PubMed 36479692 (cited by Women's Health and Genetics/Laboratory Corporation of America, LabCorp); PubMed 38378842 (cited by Women's Health and Genetics/Laboratory Corporation of America, LabCorp); PubMed 37842866 (cited by Women's Health and Genetics/Laboratory Corporation of America, LabCorp and Quest Diagnostics Nichols Institute San Juan Capistrano); PubMed 40710012 (cited by Women's Health and Genetics/Laboratory Corporation of America, LabCorp); PubMed 35441217 (cited by Quest Diagnostics Nichols Institute San Juan Capistrano); PubMed 31780696 (cited by 4 submitters); PubMed 35264596 (cited by Quest Diagnostics Nichols Institute San Juan Capistrano and Ambry Genetics); PubMed 33471991 (cited by Quest Diagnostics Nichols Institute San Juan Capistrano); PubMed 30303537 (cited by Quest Diagnostics Nichols Institute San Juan Capistrano and Ambry Genetics); PubMed 31159747 (cited by Quest Diagnostics Nichols Institute San Juan Capistrano and Ambry Genetics); PubMed 28779002 (cited by Mayo Clinic Laboratories, Mayo Clinic and Ambry Genetics); PubMed 29522266 (cited by 3 submitters); PubMed 37449874 (cited by Mayo Clinic Laboratories, Mayo Clinic and Center for Genomic Medicine, Rigshospitalet, Copenhagen University Hospital); PubMed 39146382 (cited by Mayo Clinic Laboratories, Mayo Clinic); PubMed 39642869 (cited by Mayo Clinic Laboratories, Mayo Clinic); PubMed 32283892 (cited by Ambry Genetics); PubMed 32885271 (cited by Ambry Genetics); PubMed 34130653 (cited by Ambry Genetics); PubMed 25085752 (cited by Myriad Genetics, Inc.).